The following is an entry in ClinVar:

NM_053025.4(MYLK):c.3298T>C (p.Phe1100Leu)

Gene: MYLK (myosin light chain kinase; minus strand). Cytogenetic location: 3q21.1.
Variant type: single nucleotide variant.
Coding change: c.3298T>C on transcript NM_053025.4 (MANE Select); coding-DNA position 3298, T replaced by C.
Protein change: p.Phe1100Leu; replaces phenylalanine 1100 with leucine.
Molecular consequence: missense variant.
Genome position (GRCh38, 1-based): chr3:123,700,170, A>G on the plus strand (T>C on the coding strand, the complement: MYLK is on the minus strand). VCF-style: chr3-123700170-A-G. GRCh37 (hg19) VCF-style: chr3-123419017-A-G.
Other names: c.2770T>C, p.Phe924Leu (NM_001321309.2); c.3091T>C, p.Phe1031Leu (NM_053026.4, NM_053028.4); c.3298T>C, p.Phe1100Leu (NM_053027.4); short protein forms F924L, F1100L, F1031L.
Identifiers: ClinVar variation 3401128 (VCV003401128.1).
Genomic context (GRCh38, chr3:123,700,170, plus strand): 5'-GGCACTGGAGCAGCAGCTTCTTGCCCTCTGCCACATGAACATCTTGCAGCTTCTGCTTGA[A>G]GGCTGGGGCTGTCCCCTGGCTCTCTGATCTCTTTTCATTATCTGTGGTCCCTGCATGGCC-3'
Protein context (NP_444253.3, residues 1090-1110): RSESQGTAPA[Phe1100Leu]KQKLQDVHVA

ClinVar aggregate classification (germline): Uncertain significance (1 of 4 stars; one submission).

Conditions:
Familial thoracic aortic aneurysm and aortic dissection (TAAD). Also called: Thoracic aortic aneurysms and dissections. Identifiers: Orphanet 91387, MedGen C4707243, MONDO:0019625.

Submission:

Ambry Genetics
Classification: Uncertain significance for Familial thoracic aortic aneurysm and aortic dissection. Last evaluated: 2024-11-10. Review status: criteria provided, single submitter. Criteria: Ambry Variant Classification Scheme 2023. Collection method: clinical testing. Allele origin: germline.
Comment: The p.F1100L variant (also known as c.3298T>C), located in coding exon 15 of the MYLK gene, results from a T to C substitution at nucleotide position 3298. The phenylalanine at codon 1100 is replaced by leucine, an amino acid with highly similar properties. This amino acid position is conserved. In addition, the in silico prediction for this alteration is inconclusive. Based on the available evidence, the clinical significance of this variant remains unclear.